The following is an entry in ClinVar:

NM_015599.3(PGM3):c.1003A>G (p.Thr335Ala)

Gene: PGM3 (phosphoglucomutase 3; minus strand). Cytogenetic location: 6q14.1.
Variant type: single nucleotide variant.
Coding change: c.1003A>G on transcript NM_015599.3 (MANE Select); coding-DNA position 1003, A replaced by G.
Protein change: p.Thr335Ala; replaces threonine 335 with alanine.
Molecular consequence: missense variant. On other transcripts: non-coding transcript variant (1).
Genome position (GRCh38, 1-based): chr6:83,178,699, T>C on the plus strand (A>G on the coding strand, the complement: PGM3 is on the minus strand). VCF-style: chr6-83178699-T-C. GRCh37 (hg19) VCF-style: chr6-83888418-T-C.
Other names: c.1087A>G, p.Thr363Ala (NM_001199917.2, NM_001367287.1); c.760A>G, p.Thr254Ala (NM_001199918.2); c.1003A>G, p.Thr335Ala (NM_001199919.2, NM_001367286.1); short protein forms T254A, T363A, T335A.
Identifiers: ClinVar variation 966420 (VCV000966420.1), dbSNP rs1787955099, ClinGen allele CA364880941.

ClinVar aggregate classification (germline): Uncertain significance (1 of 4 stars; one submission).

Conditions:
Immunodeficiency 23 (IMD23). Also called: IMMUNODEFICIENCY-VASCULITIS-MYOCLONUS SYNDROME; IMMUNODEFICIENCY WITH HYPER IgE AND COGNITIVE IMPAIRMENT. Identifiers: Orphanet 443811, MedGen C4014371, MONDO:0014353, OMIM 615816.

Allele frequency attached by ClinVar (database versions not stated): gnomAD exomes 0.00001.
gnomAD v4.1: 11 of 1,605,222 alleles (0.00069%); highest among the groups gnomAD compares: East Asian, 0.0022%; no homozygotes.

Submission:

Labcorp Genetics (formerly Invitae), Labcorp
Classification: Uncertain significance for Immunodeficiency 23. Last evaluated: 2019-10-19. Review status: criteria provided, single submitter. Criteria: Invitae Variant Classification Sherloc (09022015). Collection method: clinical testing. Allele origin: germline.
Comment: This sequence change replaces threonine with alanine at codon 363 of the PGM3 protein (p.Thr363Ala). The threonine residue is highly conserved and there is a small physicochemical difference between threonine and alanine. This variant is not present in population databases (ExAC no frequency). This variant has not been reported in the literature in individuals with PGM3-related conditions. Algorithms developed to predict the effect of missense changes on protein structure and function (SIFT, PolyPhen-2, Align-GVGD) all suggest that this variant is likely to be disruptive, but these predictions have not been confirmed by published functional studies and their clinical significance is uncertain. In summary, the available evidence is currently insufficient to determine the role of this variant in disease. Therefore, it has been classified as a Variant of Uncertain Significance.